The following is an entry in ClinVar:

ClinVar aggregate classification (germline): Pathogenic (1 of 4 stars; one submission).

Conditions:
Facioscapulohumeral muscular dystrophy 2 (FSHD2). Also called: MUSCULAR DYSTROPHY, FACIOSCAPULOHUMERAL, TYPE 1B; FACIOSCAPULOHUMERAL MUSCULAR DYSTROPHY 2, DIGENIC; FSHD2, DIGENIC. Identifiers: Orphanet 269, MedGen C1834671, MONDO:0008031, OMIM 158901.

Submission:

Labcorp Genetics (formerly Invitae), Labcorp
Classification: Pathogenic for Facioscapulohumeral muscular dystrophy 2. Last evaluated: 2021-03-09. Review status: criteria provided, single submitter. Criteria: Invitae Variant Classification Sherloc (09022015). Collection method: clinical testing. Allele origin: germline.
Comment: This sequence change creates a premature translational stop signal (p.Arg630Lysfs*9) in the SMCHD1 gene. It is expected to result in an absent or disrupted protein product. Loss-of-function variants in SMCHD1 are known to be pathogenic (PMID: 23143600). This variant is not present in population databases (ExAC no frequency). This variant has not been reported in the literature in individuals with SMCHD1-related conditions. For these reasons, this variant has been classified as Pathogenic.

Literature cited by the submitters: PubMed 23143600.

NM_015295.3(SMCHD1):c.1886dup (p.Arg630fs)

Gene: SMCHD1 (structural maintenance of chromosomes flexible hinge domain containing 1; plus strand). Cytogenetic location: 18p11.32.
Variant type: Duplication.
Coding change: c.1886dup on transcript NM_015295.3 (MANE Select); coding-DNA position 1886, one base duplicated (T; older notation c.1886dupT).
Protein change: p.Arg630fs; shifts the reading frame from arginine 630.
Molecular consequence: frameshift variant.
Genome position (GRCh38, 1-based): chr18:2,705,737, T duplicated. VCF-style (leftmost placement, unchanged base first): chr18-2705736-G-GT. GRCh37 (hg19) VCF-style: chr18-2705734-G-GT.
Other names: short protein forms R630fs.
Identifiers: ClinVar variation 1069242 (VCV001069242.7), dbSNP rs2143233837, ClinGen allele CA2499225097.